The following is an entry in ClinVar:

ClinVar aggregate classification (germline): Uncertain significance. Review status: criteria provided, multiple submitters, no conflicts (2 of 4 stars). 2 submissions from 2 submitters: Uncertain significance (2). Last evaluated 2025-12-15.

Conditions:
Inborn genetic diseases. Identifiers: MedGen C0950123, MeSH D030342.
Immunodeficiency 104. Also called: IMMUNODEFICIENCY 104, SEVERE COMBINED; Severe combined immunodeficiency, autosomal recessive, T cell-negative, B cell-positive, NK cell-positive; Severe Combined Immune Deficiency, Autosomal Recessive, TCell -Negative, B Cell-Positive, NK Cell-Positive, IL7R-Related; SCID, AUTOSOMAL RECESSIVE, T CELL-NEGATIVE, B CELL-POSITIVE, NK CELL-POSITIVE. Identifiers: MedGen C5676890, MONDO:0012163, OMIM 608971.

Allele frequency attached by ClinVar (database versions not stated): gnomAD 0.00001; gnomAD exomes 0.00001 and 0.00002; ExAC 0.00002; TOPMed 0.00002.
gnomAD v4.1: 18 of 1,612,824 alleles (0.0011%); highest among the groups gnomAD compares: Non-Finnish European, 0.0014%; no homozygotes.

Submissions (2):

Ambry Genetics
Classification: Uncertain significance for Inborn genetic diseases. Last evaluated: 2025-12-15. Review status: criteria provided, single submitter. Criteria: Ambry Variant Classification Scheme 2023. Collection method: clinical testing. Allele origin: germline.

Labcorp Genetics (formerly Invitae), Labcorp
Classification: Uncertain significance for Immunodeficiency 104. Last evaluated: 2024-10-07. Review status: criteria provided, single submitter. Criteria: Invitae Variant Classification Sherloc (09022015). Collection method: clinical testing. Allele origin: germline.
Comment: This sequence change replaces glutamine, which is neutral and polar, with proline, which is neutral and non-polar, at codon 1142 of the PTPRC protein (p.Gln1142Pro). This variant is present in population databases (rs778966323, gnomAD 0.004%). This variant has not been reported in the literature in individuals affected with PTPRC-related conditions. ClinVar contains an entry for this variant (Variation ID: 647154). An algorithm developed to predict the effect of missense changes on protein structure and function (PolyPhen-2) suggests that this variant is likely to be disruptive. In summary, the available evidence is currently insufficient to determine the role of this variant in disease. Therefore, it has been classified as a Variant of Uncertain Significance.

NM_002838.5(PTPRC):c.3425A>C (p.Gln1142Pro)

Gene: PTPRC (protein tyrosine phosphatase receptor type C; plus strand). Cytogenetic location: 1q32.1.
Variant type: single nucleotide variant.
Coding change: c.3425A>C on transcript NM_002838.5 (MANE Select); coding-DNA position 3425, A replaced by C.
Protein change: p.Gln1142Pro; replaces glutamine 1142 with proline.
Molecular consequence: missense variant.
Genome position (GRCh38, 1-based): chr1:198,752,688, A>C. VCF-style: chr1-198752688-A-C. GRCh37 (hg19) VCF-style: chr1-198721817-A-C.
Other names: c.2942A>C, p.Gln981Pro (NM_080921.4); c.3419A>C (NM_002838.3); short protein forms Q1142P, Q981P.
Identifiers: ClinVar variation 647154 (VCV000647154.9), dbSNP rs778966323, ClinGen allele CA1315444.